The following is an entry in ClinVar:

ClinVar aggregate classification (germline): Conflicting classifications of pathogenicity. Review status: criteria provided, conflicting classifications (1 of 4 stars). 9 submissions from 9 submitters: Uncertain significance (2); Benign (1); Likely benign (5). 1 of the submissions does not count toward it. Last evaluated 2026-04-06.

Conditions:
BRAF-related disorder. Also called: BRAF-related condition.
Cardiovascular phenotype. Identifiers: MedGen CN230736.
RASopathy. Also called: rasopathies; Noonan spectrum disorder. Identifiers: Orphanet 536391, MedGen C5555857, MONDO:0021060.
Primary dilated cardiomyopathy (DCM). Also called: Dilated Cardiomyopathy. Identifiers: Orphanet 217604, MedGen C0007193, MeSH D002311, MONDO:0005021, HP:0001644. Inheritance: Various modes of inheritance.

Submissions (9):

Women's Health and Genetics/Laboratory Corporation of America, LabCorp
Classification: Likely benign. Last evaluated: 2026-04-06. Review status: criteria provided, single submitter. Criteria: LabCorp Variant Classification Summary - May 2015. Collection method: clinical testing. Allele origin: germline.
Comment: Variant summary: BRAF c.95_100delGCGCCG (p.Gly32_Ala33del) results in an in-frame deletion that is predicted to remove two amino acids from the encoded protein. The variant allele was found at a frequency of 0.00023 in 126314 control chromosomes. The observed variant frequency exceeds the estimated maximal expected allele frequency for disease-causing variants in BRAF. To our knowledge, no occurrence of c.95_100delGCGCCG in individuals affected with Noonan Syndrome and Related Conditions has been reported, though it has been reported in samples from cancer patients without evidence of causality (e.g. Cheng_2015, Shen_2019). The following publications have been ascertained in the context of this evaluation (PMID: 25801821, 30826992). ClinVar contains an entry for this variant (Variation ID: 40338). Based on the evidence outlined above, the variant was classified as likely benign.

Labcorp Genetics (formerly Invitae), Labcorp
Classification: Uncertain significance for RASopathy. Last evaluated: 2026-01-27. Review status: criteria provided, single submitter. Criteria: Invitae Variant Classification Sherloc (09022015). Collection method: clinical testing. Allele origin: germline.
Comment: This variant, c.95_100del, results in the deletion of 2 amino acid(s) of the BRAF protein (p.Gly32_Ala33del), but otherwise preserves the integrity of the reading frame. This variant is present in population databases (rs397507459, gnomAD 0.08%), and has an allele count higher than expected for a pathogenic variant. This variant has not been reported in the literature in individuals affected with BRAF-related conditions. Experimental studies and prediction algorithms are not available or were not evaluated, and the functional significance of this variant is currently unknown. In summary, the available evidence is currently insufficient to determine the role of this variant in disease. Therefore, it has been classified as a Variant of Uncertain Significance.

CeGaT Center for Human Genetics Tuebingen
Classification: Likely benign. Last evaluated: 2024-06-01. Review status: criteria provided, single submitter. Criteria: CeGaT Center For Human Genetics Tuebingen Variant Classification Criteria Version 2. Collection method: clinical testing. Allele origin: germline. Affected: yes. Observed: 1 variant allele.
Comment: BRAF: PM4:Supporting, BS1

Ambry Genetics
Classification: Likely benign for Cardiovascular phenotype. Last evaluated: 2023-09-05. Review status: criteria provided, single submitter. Criteria: Ambry Variant Classification Scheme 2023. Collection method: clinical testing. Allele origin: germline.

GeneDx
Classification: Benign. Last evaluated: 2021-02-02. Review status: criteria provided, single submitter. Criteria: GeneDx Variant Classification Process June 2021. Collection method: clinical testing. Allele origin: germline. Affected: yes.
Comment: This variant is associated with the following publications: (PMID: 25801821, 30826992, 32740981)

Revvity Omics, Revvity
Classification: Uncertain significance. Last evaluated: 2019-11-08. Review status: criteria provided, single submitter. Criteria: ACMG Guidelines, 2015. Collection method: clinical testing. Allele origin: germline.

Center for Advanced Laboratory Medicine, UC San Diego Health, University of California San Diego
Classification: Likely benign for Dilated cardiomyopathy. Last evaluated: 2019-05-08. Review status: criteria provided, single submitter. Criteria: ACMG Guidelines, 2015. Collection method: clinical testing. Allele origin: germline. Affected: yes. Observed: 1 variant allele.

Laboratory for Molecular Medicine, Mass General Brigham Personalized Medicine
Classification: Likely benign. Last evaluated: 2017-08-25. Review status: criteria provided, single submitter. Criteria: LMM Criteria. Collection method: clinical testing. Allele origin: germline. Observed: 1 variant allele.
Comment: p.Gly32_Ala33del in exon 1 of BRAF: This variant is not expected to have clinica l significance due to a lack of conservation across species, including mammals. Of note, despite high nearby amino acid conservation, >20 species have a deletio n of the glycine (Gly) and alanine (Ala) residues at positions 32 and 33. This d eletion has also been identified in 0.1% (11/14082) of African chromosomes by th e Genome Aggregation Database (gnomAD; dbSNP r s397515331).

PreventionGenetics, part of Exact Sciences
Classification: Likely benign for BRAF-related condition. Last evaluated: 2023-02-06. Review status: no assertion criteria provided. Collection method: clinical testing. Allele origin: germline. Not counted in ClinVar's aggregate classification.
Comment: This variant is classified as likely benign based on ACMG/AMP sequence variant interpretation guidelines (Richards et al. 2015 PMID: 25741868, with internal and published modifications).

Literature cited by the submitters: PubMed 25801821 (cited by Women's Health and Genetics/Laboratory Corporation of America, LabCorp); PubMed 30826992 (cited by Women's Health and Genetics/Laboratory Corporation of America, LabCorp).

NM_004333.6(BRAF):c.83GCGCCG[2] (p.28GA[2])

Gene: BRAF (B-Raf proto-oncogene, serine/threonine kinase; minus strand). Cytogenetic location: 7q34.
Variant type: Microsatellite.
Coding change: c.83GCGCCG[2] on transcript NM_004333.6 (MANE Select); two copies in a row of the 6-base unit GCGCCG starting at c.83; the reference has three copies in a row; one copy, 6 bases deleted; also written c.95_100del.
Protein change: p.28GA[2].
Molecular consequence: inframe deletion.
Genome position (GRCh38, 1-based): chr7:140,924,604-140,924,609, CGGCGC deleted on the plus strand (GCGCCG on the coding strand, the reverse complement: BRAF is on the minus strand); deleting any 6 consecutive bases within chr7:140,924,604-140,924,625 gives the same sequence; the position shown is the placement nearest the transcript's 3' end. VCF-style (leftmost placement, unchanged base first): chr7-140924603-GCGGCGC-G. GRCh37 (hg19) VCF-style: chr7-140624403-GCGGCGC-G.
Other names: c.95_100del (NM_004333.6); c.83GCGCCG[2], p.28GA[2] (NM_001354609.2, NM_001374244.1, NM_001374258.1 and 7 more transcripts); c.95_100delGCGCCG (NM_004333.6).
Identifiers: ClinVar variation 40338 (VCV000040338.40), dbSNP rs397507458, ClinGen allele CA281933.